The following is an entry in ClinVar:

ClinVar aggregate classification (germline): Likely benign. Review status: criteria provided, multiple submitters, no conflicts (2 of 4 stars). 2 submissions from 2 submitters: Likely benign (2). Last evaluated 2025-12-19.

Conditions:
Hypertrophic cardiomyopathy. Also called: HYPERTROPHIC MYOCARDIOPATHY. Identifiers: Orphanet 217569, MedGen C0007194, MeSH D002312, MONDO:0005045, HP:0001639.

Allele frequency attached by ClinVar (database versions not stated): gnomAD exomes below 0.00001 and 0.00001; ExAC 0.00002; TOPMed 0.00002; gnomAD 0.00003; ESP Exome Variant Server 0.00008.
gnomAD v4.1: 5 of 1,614,068 alleles (0.00031%); highest among the groups gnomAD compares: African/African-American, 0.0067%; no homozygotes.

Submissions (2):

Labcorp Genetics (formerly Invitae), Labcorp
Classification: Likely benign for Hypertrophic cardiomyopathy. Last evaluated: 2025-12-19. Review status: criteria provided, single submitter. Criteria: Invitae Variant Classification Sherloc (09022015). Collection method: clinical testing. Allele origin: germline.

GeneDx
Classification: Likely benign. Last evaluated: 2016-09-15. Review status: criteria provided, single submitter. Criteria: GeneDx Variant Classification (06012015). Collection method: clinical testing. Allele origin: germline. Affected: yes.
Comment: This variant is considered likely benign or benign based on one or more of the following criteria: it is a conservative change, it occurs at a poorly conserved position in the protein, it is predicted to be benign by multiple in silico algorithms, and/or has population frequency not consistent with disease.

NM_000257.4(MYH7):c.5158-15C>T

Genes: MHRT (myosin heavy chain associated RNA transcript; plus strand), MYH7 (myosin heavy chain 7; minus strand), LOC126861897 (BRD4-independent group 4 enhancer GRCh37_chr14:23884455-23885654; plus strand). Cytogenetic location: 14q11.2.
Variant type: single nucleotide variant.
Coding change: c.5158-15C>T on transcript NM_000257.4 (MANE Select); 15 bases into the intron before coding-DNA position 5158, C replaced by T.
Molecular consequence: intron variant.
Genome position (GRCh38, 1-based): chr14:23,415,521, G>A on the plus strand (C>T on the coding strand, the complement: MYH7 is on the minus strand). VCF-style: chr14-23415521-G-A. GRCh37 (hg19) VCF-style: chr14-23884730-G-A.
Other names: c.5158-15C>T (LRG_384t1).
Identifiers: ClinVar variation 379091 (VCV000379091.6), dbSNP rs369453980, ClinGen allele CA045528.